The following is an entry in ClinVar:

ClinVar aggregate classification (germline): Uncertain significance (1 of 4 stars; one submission).

Conditions:
Long QT syndrome (LQTS). Identifiers: MedGen C0023976, MeSH D008133, MONDO:0002442. Disease mechanism: loss of function. Inheritance: Various modes of inheritance.

Submission:

Labcorp Genetics (formerly Invitae), Labcorp
Classification: Uncertain significance for Long QT syndrome. Last evaluated: 2022-05-22. Review status: criteria provided, single submitter. Criteria: Invitae Variant Classification Sherloc (09022015). Collection method: clinical testing. Allele origin: germline.
Comment: This variant has not been reported in the literature in individuals affected with KCNH2-related conditions. Algorithms developed to predict the effect of missense changes on protein structure and function are either unavailable or do not agree on the potential impact of this missense change (SIFT: "Deleterious"; PolyPhen-2: "Probably Damaging"; Align-GVGD: "Class C0"). In summary, the available evidence is currently insufficient to determine the role of this variant in disease. Therefore, it has been classified as a Variant of Uncertain Significance. This variant is not present in population databases (gnomAD no frequency). This sequence change replaces aspartic acid, which is acidic and polar, with tyrosine, which is neutral and polar, at codon 1156 of the KCNH2 protein (p.Asp1156Tyr).

NM_000238.4(KCNH2):c.3466G>T (p.Asp1156Tyr)

Gene: KCNH2 (potassium voltage-gated channel subfamily H member 2; minus strand). Cytogenetic location: 7q36.1.
Variant type: single nucleotide variant.
Coding change: c.3466G>T on transcript NM_000238.4 (MANE Select); coding-DNA position 3466, G replaced by T.
Protein change: p.Asp1156Tyr; replaces aspartic acid 1156 with tyrosine.
Molecular consequence: missense variant.
Genome position (GRCh38, 1-based): chr7:150,945,379, C>A on the plus strand (G>T on the coding strand, the complement: KCNH2 is on the minus strand). VCF-style: chr7-150945379-C-A. GRCh37 (hg19) VCF-style: chr7-150642467-C-A.
Other names: c.3178G>T, p.Asp1060Tyr (NM_001406753.1); c.2446G>T, p.Asp816Tyr (NM_172057.3); short protein forms D1156Y, D816Y, D1060Y.
Identifiers: ClinVar variation 1957007 (VCV001957007.5), dbSNP rs2116917171, ClinGen allele CA369851363.